The following is an entry in ClinVar:

NM_004104.5(FASN):c.3226G>A (p.Ala1076Thr)

Gene: FASN (fatty acid synthase; minus strand). Cytogenetic location: 17q25.3.
Variant type: single nucleotide variant.
Coding change: c.3226G>A on transcript NM_004104.5 (MANE Select); coding-DNA position 3226, G replaced by A.
Protein change: p.Ala1076Thr; replaces alanine 1076 with threonine.
Molecular consequence: missense variant.
Genome position (GRCh38, 1-based): chr17:82,087,251, C>T on the plus strand (G>A on the coding strand, the complement: FASN is on the minus strand). VCF-style: chr17-82087251-C-T. GRCh37 (hg19) VCF-style: chr17-80045127-C-T.
Other names: short protein forms A1076T.
Identifiers: ClinVar variation 2829618 (VCV002829618.3), dbSNP rs1020783782, ClinGen allele CA295132742.

ClinVar aggregate classification (germline): Uncertain significance (1 of 4 stars; one submission).

Conditions:
Epileptic encephalopathy. Identifiers: MedGen C0543888, HP:0200134.

Submission:

Labcorp Genetics (formerly Invitae), Labcorp
Classification: Uncertain significance for Epileptic encephalopathy. Last evaluated: 2023-05-31. Review status: criteria provided, single submitter. Criteria: Invitae Variant Classification Sherloc (09022015). Collection method: clinical testing. Allele origin: germline.
Comment: This sequence change replaces alanine, which is neutral and non-polar, with threonine, which is neutral and polar, at codon 1076 of the FASN protein (p.Ala1076Thr). This variant is not present in population databases (gnomAD no frequency). This variant has not been reported in the literature in individuals affected with FASN-related conditions. An algorithm developed to predict the effect of missense changes on protein structure and function (PolyPhen-2) suggests that this variant is likely to be tolerated. In summary, the available evidence is currently insufficient to determine the role of this variant in disease. Therefore, it has been classified as a Variant of Uncertain Significance.